The following is an entry in ClinVar:

ClinVar aggregate classification (germline): Benign. Review status: criteria provided, single submitter (1 of 4 stars). 3 submissions from 3 submitters: Benign (1). 2 of the submissions do not count toward it. Last evaluated 2026-01-20.

Conditions:
Creatine deficiency syndrome 1.
Creatine transporter deficiency (CCDS1). Also called: Creatine Transporter (CRTR) Deficiency; Mental retardation , X-linked with seizures, short stature and midface hypoplasia; Mental retardation , X-linked, with creatine transport deficiency; X-linked creatine transporter deficiency; X-linked creatine deficiency syndrome; SLC6A8-Related Creatine Transporter Deficiency. Identifiers: Orphanet 52503, MedGen C1845862, MONDO:0010305, OMIM 300352.
SLC6A8-related disorder. Also called: SLC6A8-related condition.

Allele frequency attached by ClinVar (database versions not stated): gnomAD 0.00001; gnomAD exomes 0.00004; ExAC 0.00005.
gnomAD v4.1: 25 of 1,205,395 alleles (0.0021%); highest among the groups gnomAD compares: Middle Eastern, 0.023%; no homozygotes.

Submissions (3):

Labcorp Genetics (formerly Invitae), Labcorp
Classification: Benign for Creatine transporter deficiency. Last evaluated: 2026-01-20. Review status: criteria provided, single submitter. Criteria: Invitae Variant Classification Sherloc (09022015). Collection method: clinical testing. Allele origin: germline.

Natera, Inc.
Classification: Likely benign for Creatine deficiency syndrome 1. Last evaluated: 2020-02-25. Review status: no assertion criteria provided. Collection method: clinical testing. Allele origin: germline. Not counted in ClinVar's aggregate classification.

PreventionGenetics, part of Exact Sciences
Classification: Likely benign for SLC6A8-related condition. Last evaluated: 2019-06-27. Review status: no assertion criteria provided. Collection method: clinical testing. Allele origin: germline. Not counted in ClinVar's aggregate classification.
Comment: This variant is classified as likely benign based on ACMG/AMP sequence variant interpretation guidelines (Richards et al. 2015 PMID: 25741868, with internal and published modifications).

NM_005629.4(SLC6A8):c.1496-7G>A

Gene: SLC6A8 (solute carrier family 6 member 8; plus strand). Cytogenetic location: Xq28.
Variant type: single nucleotide variant.
Coding change: c.1496-7G>A on transcript NM_005629.4 (MANE Select); 7 bases into the intron before coding-DNA position 1496, G replaced by A.
Molecular consequence: intron variant.
Genome position (GRCh38, 1-based): chrX:153,694,526, G>A. VCF-style: chrX-153694526-G-A. GRCh37 (hg19) VCF-style: chrX-152959981-G-A.
Other names: c.1466-7G>A (NM_001142805.2); c.1151-7G>A (NM_001142806.1).
Identifiers: ClinVar variation 704818 (VCV000704818.13), dbSNP rs781814962, ClinGen allele CA10549547.